The following is an entry in ClinVar:

ClinVar aggregate classification (germline): Uncertain significance (1 of 4 stars; one submission).

Submission:

GeneDx
Classification: Uncertain significance. Last evaluated: 2023-11-05. Review status: criteria provided, single submitter. Criteria: GeneDx Variant Classification Process June 2021. Collection method: clinical testing. Allele origin: germline. Affected: yes.
Comment: Not observed at significant frequency in large population cohorts (gnomAD); In silico analysis supports that this missense variant does not alter protein structure/function; Has not been previously published as pathogenic or benign to our knowledge

NM_006734.4(HIVEP2):c.6301T>A (p.Ser2101Thr)

Gene: HIVEP2 (HIVEP zinc finger 2; minus strand). Cytogenetic location: 6q24.2.
Variant type: single nucleotide variant.
Coding change: c.6301T>A on transcript NM_006734.4 (MANE Select); coding-DNA position 6301, T replaced by A.
Protein change: p.Ser2101Thr; replaces serine 2101 with threonine.
Molecular consequence: missense variant.
Genome position (GRCh38, 1-based): chr6:142,759,987, A>T on the plus strand (T>A on the coding strand, the complement: HIVEP2 is on the minus strand). VCF-style: chr6-142759987-A-T. GRCh37 (hg19) VCF-style: chr6-143081124-A-T.
Other names: short protein forms S2101T.
Identifiers: ClinVar variation 3366207 (VCV003366207.1).